The following is an entry in ClinVar:

ClinVar aggregate classification (germline): Uncertain significance. Review status: criteria provided, multiple submitters, no conflicts (2 of 4 stars). 3 submissions from 3 submitters: Uncertain significance (3). Last evaluated 2025-08-11.

Conditions:
Inborn genetic diseases. Identifiers: MedGen C0950123, MeSH D030342.

Allele frequency attached by ClinVar (database versions not stated): gnomAD exomes below 0.00001; TOPMed below 0.00001; gnomAD 0.00001; ExAC 0.00002; ESP Exome Variant Server 0.00008.
gnomAD v4.1: 4 of 1,613,872 alleles (0.00025%); highest among the groups gnomAD compares: Non-Finnish European, 0.00025%; no homozygotes.

Submissions (3):

Ambry Genetics
Classification: Uncertain significance for Inborn genetic diseases. Last evaluated: 2025-08-11. Review status: criteria provided, single submitter. Criteria: Ambry Variant Classification Scheme 2023. Collection method: clinical testing. Allele origin: germline.

Labcorp Genetics (formerly Invitae), Labcorp
Classification: Uncertain significance. Last evaluated: 2023-05-23. Review status: criteria provided, single submitter. Criteria: Invitae Variant Classification Sherloc (09022015). Collection method: clinical testing. Allele origin: germline.
Comment: This sequence change replaces alanine, which is neutral and non-polar, with valine, which is neutral and non-polar, at codon 837 of the NFKB1 protein (p.Ala837Val). This variant is present in population databases (rs373165003, gnomAD 0.003%). This variant has not been reported in the literature in individuals affected with NFKB1-related conditions. ClinVar contains an entry for this variant (Variation ID: 1707001). Advanced modeling of protein sequence and biophysical properties (such as structural, functional, and spatial information, amino acid conservation, physicochemical variation, residue mobility, and thermodynamic stability) performed at Invitae indicates that this missense variant is expected to disrupt NFKB1 protein function. In summary, the available evidence is currently insufficient to determine the role of this variant in disease. Therefore, it has been classified as a Variant of Uncertain Significance.

GeneDx
Classification: Uncertain significance. Last evaluated: 2022-03-22. Review status: criteria provided, single submitter. Criteria: GeneDx Variant Classification Process June 2021. Collection method: clinical testing. Allele origin: germline. Affected: yes.
Comment: Not observed at significant frequency in large population cohorts (gnomAD); In silico analysis supports that this missense variant has a deleterious effect on protein structure/function; Has not been previously published as pathogenic or benign to our knowledge

NM_003998.4(NFKB1):c.2510C>T (p.Ala837Val)

Gene: NFKB1 (nuclear factor kappa B subunit 1; plus strand). Cytogenetic location: 4q24.
Variant type: single nucleotide variant.
Coding change: c.2510C>T on transcript NM_003998.4 (MANE Select); coding-DNA position 2510, C replaced by T.
Protein change: p.Ala837Val; replaces alanine 837 with valine.
Molecular consequence: missense variant.
Genome position (GRCh38, 1-based): chr4:102,612,524, C>T. VCF-style: chr4-102612524-C-T. GRCh37 (hg19) VCF-style: chr4-103533681-C-T.
Other names: c.2507C>T, p.Ala836Val (NM_001165412.2, NM_001319226.2, NM_001382627.1); c.2510C>T, p.Ala837Val (NM_001382625.1, NM_001382626.1); c.2468C>T, p.Ala823Val (NM_001382628.1); short protein forms A823V, A836V, A837V.
Identifiers: ClinVar variation 1707001 (VCV001707001.6), dbSNP rs373165003, ClinGen allele CA3026449.